The following is an entry in ClinVar:

NM_002185.5(IL7R):c.1070C>T (p.Thr357Ile)

Gene: IL7R (interleukin 7 receptor; plus strand). Cytogenetic location: 5p13.2.
Variant type: single nucleotide variant.
Coding change: c.1070C>T on transcript NM_002185.5 (MANE Select); coding-DNA position 1070, C replaced by T.
Protein change: p.Thr357Ile; replaces threonine 357 with isoleucine.
Molecular consequence: missense variant. On other transcripts: non-coding transcript variant (1).
Genome position (GRCh38, 1-based): chr5:35,876,176, C>T. VCF-style: chr5-35876176-C-T. GRCh37 (hg19) VCF-style: chr5-35876278-C-T.
Other names: short protein forms T357I.
Identifiers: ClinVar variation 1414383 (VCV001414383.6), dbSNP rs1235095542, ClinGen allele CA359432748.

ClinVar aggregate classification (germline): Uncertain significance (1 of 4 stars; one submission).

Conditions:
Immunodeficiency 104. Also called: SCID, AUTOSOMAL RECESSIVE, T CELL-NEGATIVE, B CELL-POSITIVE, NK CELL-POSITIVE; Severe Combined Immune Deficiency, Autosomal Recessive, TCell -Negative, B Cell-Positive, NK Cell-Positive, IL7R-Related; IMMUNODEFICIENCY 104, SEVERE COMBINED; Severe combined immunodeficiency, autosomal recessive, T cell-negative, B cell-positive, NK cell-positive. Identifiers: MedGen C5676890, MONDO:0012163, OMIM 608971.

Allele frequency attached by ClinVar (database versions not stated): gnomAD 0.00001; TOPMed 0.00001.
gnomAD v4.1: 2 of 1,614,012 alleles (0.00012%); highest among the groups gnomAD compares: African/African-American, 0.0013%; no homozygotes.

Submission:

Labcorp Genetics (formerly Invitae), Labcorp
Classification: Uncertain significance for Immunodeficiency 104. Last evaluated: 2021-09-10. Review status: criteria provided, single submitter. Criteria: Invitae Variant Classification Sherloc (09022015). Collection method: clinical testing. Allele origin: germline.
Comment: In summary, the available evidence is currently insufficient to determine the role of this variant in disease. Therefore, it has been classified as a Variant of Uncertain Significance. This sequence change replaces threonine with isoleucine at codon 357 of the IL7R protein (p.Thr357Ile). The threonine residue is moderately conserved and there is a moderate physicochemical difference between threonine and isoleucine. This variant is not present in population databases (ExAC no frequency). This variant has not been reported in the literature in individuals affected with IL7R-related conditions. Advanced modeling of protein sequence and biophysical properties (such as structural, functional, and spatial information, amino acid conservation, physicochemical variation, residue mobility, and thermodynamic stability) performed at Invitae indicates that this missense variant is not expected to disrupt IL7R protein function.